The following continues an entry in ClinVar:

NM_000112.4(SLC26A2):c.835C>T (p.Arg279Trp)

Gene: SLC26A2. ClinVar aggregate classification (germline): Pathogenic/Likely pathogenic. Pathogenic (37); Likely pathogenic (2).

Submissions 26 to 37 of 46:

Equipe Genetique des Anomalies du Developpement, Université de Bourgogne
Classification: Pathogenic for Multiple epiphyseal dysplasia type 4. Last evaluated: 2020-07-06. Review status: criteria provided, single submitter. Criteria: ACMG Guidelines, 2015. Collection method: clinical testing. Allele origin: biparental. Inheritance: Autosomal recessive inheritance. Affected: yes.

Myriad Genetics, Inc.
Classification: Pathogenic for Multiple epiphyseal dysplasia type 4. Last evaluated: 2019-11-18. Review status: criteria provided, single submitter. Criteria: Myriad Women's Health Autosomal Recessive and X-Linked Classification Criteria (2019). Collection method: clinical testing. Allele origin: unknown.
Comment: NM_000112.3(SLC26A2):c.835C>T(R279W) is classified as pathogenic and is associated with recessive multiple epiphyseal dysplasia. Sources cited for classification include the following: PMID 8571951, 11565064, 11303514, 12525546, and 9342225. Classification of NM_000112.3(SLC26A2):c.835C>T(R279W) is based on the following criteria: This is a well-established pathogenic variant in the literature that has been observed more frequently in patients with clinical diagnoses than in healthy populations. Please note: this variant was assessed in the context of healthy population screening.

Myriad Genetics, Inc.
Classification: Pathogenic for Diastrophic dysplasia. Last evaluated: 2019-11-18. Review status: criteria provided, single submitter. Criteria: Myriad Women's Health Autosomal Recessive and X-Linked Classification Criteria (2019). Collection method: clinical testing. Allele origin: unknown.
Comment: the same text as in the submission from Myriad Genetics, Inc. above.

Myriad Genetics, Inc.
Classification: Pathogenic for Achondrogenesis, type IB. Last evaluated: 2019-11-18. Review status: criteria provided, single submitter. Criteria: Myriad Women's Health Autosomal Recessive and X-Linked Classification Criteria (2019). Collection method: clinical testing. Allele origin: unknown.
Comment: the same text as in the submission from Myriad Genetics, Inc. above.

Myriad Genetics, Inc.
Classification: Pathogenic for 3MC syndrome 2. Last evaluated: 2019-11-18. Review status: criteria provided, single submitter. Criteria: Myriad Women's Health Autosomal Recessive and X-Linked Classification Criteria (2019). Collection method: clinical testing. Allele origin: unknown.
Comment: the same text as in the submission from Myriad Genetics, Inc. above.

Eurofins Ntd Llc (ga)
Classification: Pathogenic. Last evaluated: 2018-06-28. Review status: criteria provided, single submitter. Criteria: EGL ClinVar v180209 classification definitions. Collection method: clinical testing. Allele origin: germline. Observed: 11 variant alleles, 9 heterozygotes, 2 homozygotes.

Rady Children's Institute for Genomic Medicine, Rady Children's Hospital San Diego
Classification: Pathogenic for EPIPHYSEAL DYSPLASIA, MULTIPLE, 4. Last evaluated: 2018-06-13. Review status: criteria provided, single submitter. Criteria: ACMG Guidelines, 2015. Collection method: clinical testing. Allele origin: germline. Affected: yes. Observed: 1 variant allele.
Comment: This variant is an established disease-causing mutation that has been reported as pathogenic by multiple clinical diagnostic laboratories in ClinVar (Variation ID# 4089). This variant has been reported in the homozygous state in individuals with multiple epiphyseal dysplasia (PMID 20301483, 12525546). This variant is present as a heterozygous change in the gnomAD population database at a frequency of 0.001% (271/276946) and thus is presumed to be rare. It affects a highly conserved amino acid (up to Tetraodon, considering 12 species) and is predicted by multiple in silico tools to have a deleterious effect on protein function. Based on the available evidence, the c.835C>T (p.Arg279Trp) variant is classified as pathogenic.

Laboratory for Molecular Medicine, Mass General Brigham Personalized Medicine
Classification: Pathogenic for Diastrophic dysplasia. Last evaluated: 2018-01-31. Review status: criteria provided, single submitter. Criteria: LMM Criteria. Collection method: clinical testing. Allele origin: germline. Inheritance: Autosomal recessive inheritance. Observed: 1 variant allele.
Comment: The p.Arg279Trp (NM_000112.3 c.835C>T) variant in SLC26A2 has been reported in m any homozygous and compound heterozygous individuals with a range of diseases wi thin the diastrophic dysplasia spectrum, and has generally been associated with milder multiple epiphseal dysplasia when it is homozygous or compound heterozygo us with another mild variant, and with more severe diastrophic dysplasia or atel osteogenesis type 2 when it is compound heterozygous with a severe SLC26A2 varia nt (Rossi 1996, Hastaback 1996, Superti-Furga 1999, Huber 2001, Czarny-Ratajczak 2001, Ballhausen 2003, Macias-Gomze 2004, Dwyer 2010, Barbosa 2011, Mattos 2014 , Makitie 2015). This variant has also been reported in ClinVar (Variation ID#40 89) as pathogenic by multiple laboratories. In vitro functional studies provide support that the variant impacts the protein (Karniski 2004, and Heneghan 2010). This variant has been identified in 0.217% (22/10,138) of Ashkenazi Jewish chro mosomes by the Genome Aggregation Database (gnomAD .org; dbSNP rs104893915). Although this variant has been seen in the general pop ulation, its frequency is low enough to be consistent with a recessive carrier f requency. In summary, this variant meets criteria to be classified as pathogenic for diastrophic dysplasia in an autosomal recessive manner based upon its biall elic occurrence in individuals with this disease and the predicted impact on the protein.

Institute of Human Genetics, University of Leipzig Medical Center
Classification: Pathogenic for Multiple epiphyseal dysplasia type 4. Last evaluated: 2017-10-11. Review status: criteria provided, single submitter. Criteria: ACMG Guidelines, 2015. Collection method: clinical testing. Allele origin: germline. Affected: yes. Observed: 1 variant allele.

Illumina Laboratory Services, Illumina
Classification: Pathogenic for SLC26A2-Related Disorders. Last evaluated: 2016-08-19. Review status: criteria provided, single submitter. Criteria: ICSL Variant Classification Criteria 09 May 2019. Collection method: clinical testing. Allele origin: germline.
Comment: The SLC26A2 c.835C>T (p.Arg279Trp) missense variant is well-described in the literature as the most common pathogenic variant in sulfate transporter-related osteochondrodysplasia outside of Finland, accounting for 45% of disease alleles (BonafÃ© et al. 2013). The p.Arg279Trp variant has been reported in at least nine studies in which it is found in a total of 43 patients with SLC26A2-related disorders including 25 in a homozygous state, 12 in a compound heterozygous state, and six in a heterozygous state where a second variant was not detected (HÃ¤stbacka et al. 1996; Rossi et al. 1996; Superti-Furga et al. 1999; Czarny-Ratajczak et al. 2001; Huber et al. 2001; Ballhausen et al. 2003; MacÃ­as-GÃ³mez et al. 2004; Mattos et al. 2014; MÃ¤kitie et al. 2015). The p.Arg279Trp variant was absent from 120 controls, but is reported at a frequency of 0.00432 in the admixed American population of the 1000 Genomes Project. This allele frequency is high but may be explained by a milder phenotypic presentation. Functional studies in Xenopus oocytes demonstrated that the p.Arg279Trp variant results in reductions of 70% to 80% of the uptake of both sulfate and oxalate compared to wild type, while the surface abundance of the variant protein was similar to wild type levels (Heneghan et al. 2010). The p.Arg279Trp variant is generally considered a mild pathogenic variant. Individuals who are homozygous for the p.Arg279Trp variant have a mild phenotype and are generally diagnosed with multiple epiphyseal dysplasia, but may have some features of diastrophic dysplasia. Some homozygous individuals may also be asymptomatic and remain undiagnosed. A range of phenotypes is seen in individuals who are compound heterozygous for the p.Arg279Trp variant and another missense variant or the well-described Finnish variant in the 5' UTR. The majority of these cases fall into the diastrophic dysplasia category, but can also be more severe or milder. Individuals who are compound heterozygous for the p.Arg279Trp variant and a premature stop-gained variant usually present with atelosteogenesis or sometimes with diastrophic dysplasia. Thus far, the p.Arg279Trp variant has not been associated with any cases of achondrogenesis, which is the most severe disease in the spectrum. Based on the collective evidence, the p.Arg279Trp is classified as pathogenic for SLC26A2-related disorders. This variant was observed by ICSL as part of a predisposition screen in an ostensibly healthy population.

Women's Health and Genetics/Laboratory Corporation of America, LabCorp
Classification: Pathogenic for Osteochondrodysplasia. Last evaluated: 2016-07-21. Review status: criteria provided, single submitter. Criteria: LabCorp Variant Classification Summary - May 2015. Collection method: clinical testing. Allele origin: germline.
Comment: Variant summary: The SLC26A2 c.835C>T (p.Arg279Trp) variant involves the alteration of a conserved nucleotide resulting in a replacement of a large size and basic Arginine (R) with a large size and aromatic Tryptophan (W) located in the sulphate transferase domain. 4/4 in silico tools predict a damaging outcome for this substitution. This variant was found in 97/121378 control chromosomes at a frequency of 0.0007992, which does not exceed the estimated maximal expected allele frequency of a pathogenic SLC26A2 variant (0.002958). It was reported in several non-lethal SLC26A2-related dysplasia patients in either homozygosity or in compound heterozygosity with other pathogenic mutations indicating pathogenicity. Additionally, independent functional studies demonstrated the variant to impair sulphate and oxalate transport activity of SLC26A2 further supporting a deleterious impact. In addition, the variant is known as one of the most common pathogenic SLC26A2 (GeneReviews). Considering all evidence, the variant was classified as Pathogenic.

Juno Genomics, Hangzhou Juno Genomics, Inc
Classification: Pathogenic for Achondrogenesis, type IB; Atelosteogenesis type II; Diastrophic dysplasia; Multiple epiphyseal dysplasia type 4. Review status: criteria provided, single submitter. Criteria: ACMG Guidelines, 2015. Collection method: clinical testing. Allele origin: germline. Affected: yes.
Comment: Absent from controls (or at extremely low frequency if recessive) in Genome Aggregation Database, Exome Sequencing Project, 1000 Genomes Project, or Exome Aggregation Consortium.;Multiple lines of computational evidence support a deleterious effect on the gene or gene product (conservation, evolutionary, splicing impact, etc).;For recessive disorders, detected in trans with a pathogenic variant.;Patient's phenotype or family history is highly specific for a disease with a single genetic etiology.